The following is an entry in ClinVar:

NM_001330260.2(SCN8A):c.3259A>G (p.Ile1087Val)

Gene: SCN8A (sodium voltage-gated channel alpha subunit 8; plus strand). Cytogenetic location: 12q13.13.
Variant type: single nucleotide variant.
Coding change: c.3259A>G on transcript NM_001330260.2 (MANE Select); coding-DNA position 3259, A replaced by G.
Protein change: p.Ile1087Val; replaces isoleucine 1087 with valine.
Molecular consequence: missense variant.
Genome position (GRCh38, 1-based): chr12:51,769,222, A>G. VCF-style: chr12-51769222-A-G. GRCh37 (hg19) VCF-style: chr12-52163006-A-G.
Other names: c.3259A>G, p.Ile1087Val (NM_001177984.3, NM_001369788.1, NM_014191.4); short protein forms I1087V.
Identifiers: ClinVar variation 1004310 (VCV001004310.8), dbSNP rs763424705, ClinGen allele CA6571565.

ClinVar aggregate classification (germline): Uncertain significance. Review status: criteria provided, single submitter (1 of 4 stars). 2 submissions from 2 submitters: Uncertain significance (1). 1 of the submissions does not count toward it. Last evaluated 2025-09-08.

Conditions:
Early-infantile DEE. Also called: Early infantile epileptic encephalopathy with suppression bursts; Ohtahara syndrome; Early infantile epileptic encephalopathy. Identifiers: Orphanet 1934, MedGen C0393706, MONDO:0800491.

Allele frequency attached by ClinVar (database versions not stated): gnomAD exomes below 0.00001; ExAC 0.00001.
gnomAD v4.1: 6 of 1,613,936 alleles (0.00037%); highest among the groups gnomAD compares: South Asian, 0.0055%; no homozygotes.

Submissions (2):

Labcorp Genetics (formerly Invitae), Labcorp
Classification: Uncertain significance for Early-infantile DEE. Last evaluated: 2025-09-08. Review status: criteria provided, single submitter. Criteria: Invitae Variant Classification Sherloc (09022015). Collection method: clinical testing. Allele origin: germline.
Comment: This sequence change replaces isoleucine, which is neutral and non-polar, with valine, which is neutral and non-polar, at codon 1087 of the SCN8A protein (p.Ile1087Val). This variant is present in population databases (rs763424705, gnomAD 0.003%). This variant has not been reported in the literature in individuals affected with SCN8A-related conditions. ClinVar contains an entry for this variant (Variation ID: 1004310). Invitae Evidence Modeling of protein sequence and biophysical properties (such as structural, functional, and spatial information, amino acid conservation, physicochemical variation, residue mobility, and thermodynamic stability) indicates that this missense variant is not expected to disrupt SCN8A protein function with a negative predictive value of 95%. In summary, the available evidence is currently insufficient to determine the role of this variant in disease. Therefore, it has been classified as a Variant of Uncertain Significance.

Genetics and Genomic Medicine Centre, NeuroGen Healthcare, NeuroGen Healthcare
Classification: Uncertain significance. Last evaluated: 2020-12-04. Review status: no assertion criteria provided. Collection method: clinical testing. Allele origin: unknown. Affected: yes. Not counted in ClinVar's aggregate classification.